The following is an entry in ClinVar:

ClinVar aggregate classification (germline): Likely benign (0 of 4 stars; one submission).

Conditions:
PPM1K-related disorder. Also called: PPM1K-related condition.

gnomAD v4.1: 30 of 1,613,946 alleles (0.0019%); highest among the groups gnomAD compares: South Asian, 0.013%; no homozygotes.

Submission:

PreventionGenetics, part of Exact Sciences
Classification: Likely benign for PPM1K-related condition. Last evaluated: 2019-05-27. Review status: no assertion criteria provided. Collection method: clinical testing. Allele origin: germline.
Comment: This variant is classified as likely benign based on ACMG/AMP sequence variant interpretation guidelines (Richards et al. 2015 PMID: 25741868, with internal and published modifications).

NM_152542.5(PPM1K):c.975G>A (p.Ala325=)

Gene: PPM1K (protein phosphatase, Mg2+/Mn2+ dependent 1K; minus strand). Cytogenetic location: 4q22.1.
Variant type: single nucleotide variant.
Coding change: c.975G>A on transcript NM_152542.5 (MANE Select); coding-DNA position 975, G replaced by A.
Protein change: p.Ala325=; no amino-acid change (alanine 325 retained).
Molecular consequence: synonymous variant.
Genome position (GRCh38, 1-based): chr4:88,265,013, C>T on the plus strand (G>A on the coding strand, the complement: PPM1K is on the minus strand). VCF-style: chr4-88265013-C-T. GRCh37 (hg19) VCF-style: chr4-89186165-C-T.
Identifiers: ClinVar variation 3038532 (VCV003038532.2), dbSNP rs368715588, ClinGen allele CA3005133.